The following is an entry in ClinVar:

ClinVar aggregate classification (germline): Conflicting classifications of pathogenicity. Review status: criteria provided, conflicting classifications (1 of 4 stars). 2 submissions from 2 submitters: Uncertain significance (1); Likely benign (1). Last evaluated 2025-09-27.

Conditions:
Long QT syndrome (LQTS). Identifiers: MedGen C0023976, MeSH D008133, MONDO:0002442. Disease mechanism: loss of function. Inheritance: Various modes of inheritance.
Cardiovascular phenotype. Identifiers: MedGen CN230736.

Allele frequency attached by ClinVar (database versions not stated): TOPMed 0.00002; ExAC 0.00002; gnomAD exomes 0.00002; gnomAD 0.00001.
gnomAD v4.1: 15 of 1,507,950 alleles (0.00099%); highest among the groups gnomAD compares: Admixed American, 0.012%; no homozygotes.

Submissions (2):

Labcorp Genetics (formerly Invitae), Labcorp
Classification: Likely benign for Long QT syndrome. Last evaluated: 2025-09-27. Review status: criteria provided, single submitter. Criteria: Invitae Variant Classification Sherloc (09022015). Collection method: clinical testing. Allele origin: germline.

Ambry Genetics
Classification: Uncertain significance for Cardiovascular phenotype. Last evaluated: 2023-02-13. Review status: criteria provided, single submitter. Criteria: Ambry Variant Classification Scheme 2023. Collection method: clinical testing. Allele origin: germline.
Comment: The c.1215C>T variant (also known as p.S405S), located in coding exon 8 of the CACNA1C gene, results from a C to T substitution at nucleotide position 1215. This nucleotide substitution does not change the serine at codon 405. This nucleotide position is well conserved in available vertebrate species. In silico splice site analysis for this alteration is inconclusive. According to data from gnomAD, the frequency for this variant is above the maximum credible frequency for a cardiac disease-causing variant in this gene based on internally established thresholds (Karczewski et al. Nature. 2020 May;581(7809):434-443; Whiffin et al. Genet Med. 2017 10;19:1151-1158). Based on the supporting evidence, the association of this alteration with CACNA1C-related neurodevelopmental disorder is unknown; however, the association with CACNA1C-related Timothy syndrome or long QT syndrome is unlikely.

NM_000719.7(CACNA1C):c.1215C>T (p.Ser405=)

Gene: CACNA1C (calcium voltage-gated channel subunit alpha1 C; plus strand). Cytogenetic location: 12p13.33.
Variant type: single nucleotide variant.
Coding change: c.1215C>T on transcript NM_000719.7 (MANE Select); coding-DNA position 1215, C replaced by T.
Protein change: p.Ser405=; no amino-acid change (serine 405 retained).
Molecular consequence: synonymous variant. On other transcripts: intron variant (4).
Genome position (GRCh38, 1-based): chr12:2,504,943, C>T. VCF-style: chr12-2504943-C-T. GRCh37 (hg19) VCF-style: chr12-2614109-C-T.
Other names: c.1215C>T (NM_000719.6); c.1215C>T, p.Ser405= (NM_001129827.2, NM_001129829.2, NM_001129830.3 and 14 more transcripts); c.1206C>T, p.Ser402= (NM_001129844.2); c.1217+404C>T (NM_001167624.3, NM_001167623.2, NM_001167625.2 and 1 more transcripts).
Identifiers: ClinVar variation 1636208 (VCV001636208.10), dbSNP rs780409021, ClinGen allele CA6388658.